The following is an entry in ClinVar:

ClinVar aggregate classification (germline): Uncertain significance (1 of 4 stars; one submission).

Conditions:
Autosomal recessive limb-girdle muscular dystrophy type 2J (LGMDR10). Also called: Limb-girdle muscular dystrophy, type 2J; MUSCULAR DYSTROPHY, LIMB-GIRDLE, AUTOSOMAL RECESSIVE 10. Identifiers: Orphanet 140922, MedGen C1837342, MONDO:0012127, OMIM 608807.
Dilated cardiomyopathy 1G (CMD1G). Identifiers: Orphanet 154, MedGen C1858763, MONDO:0011400, OMIM 604145.

Submission:

Labcorp Genetics (formerly Invitae), Labcorp
Classification: Uncertain significance for Dilated cardiomyopathy 1G; Autosomal recessive limb-girdle muscular dystrophy type 2J. Last evaluated: 2023-02-27. Review status: criteria provided, single submitter. Criteria: Invitae Variant Classification Sherloc (09022015). Collection method: clinical testing. Allele origin: germline.
Comment: Variants that disrupt the consensus splice site are a relatively common cause of aberrant splicing (PMID: 17576681, 9536098). Algorithms developed to predict the effect of sequence changes on RNA splicing suggest that this variant may disrupt the consensus splice site. In summary, the available evidence is currently insufficient to determine the role of this variant in disease. Therefore, it has been classified as a Variant of Uncertain Significance. This variant is located in the I band of TTN (PMID: 25589632). Variants in this region may be clinically relevant, but have not been definitively shown to cause cardiomyopathy or neuromuscular disease (PMID: 27493940, 32778822). Experimental studies and prediction algorithms are not available or were not evaluated, and the functional significance of this variant is currently unknown. ClinVar contains an entry for this variant (Variation ID: 534984). This variant has not been reported in the literature in individuals affected with TTN-related conditions. This variant is not present in population databases (gnomAD no frequency). This sequence change replaces glutamic acid, which is acidic and polar, with lysine, which is basic and polar, at codon 8641 of the TTN protein (p.Glu8641Lys). This variant also falls at the last nucleotide of exon 89, which is part of the consensus splice site for this exon.

Literature cited by the submitters: PubMed 17576681; PubMed 9536098; PubMed 25589632; PubMed 27493940; PubMed 32778822.

NM_001267550.2(TTN):c.25921G>A (p.Glu8641Lys)

Gene: TTN (titin; minus strand). Cytogenetic location: 2q31.2.
Variant type: single nucleotide variant.
Coding change: c.25921G>A on transcript NM_001267550.2 (MANE Select); coding-DNA position 25921, G replaced by A.
Protein change: p.Glu8641Lys; replaces glutamic acid 8641 with lysine.
Molecular consequence: missense variant. On other transcripts: intron variant (3).
Genome position (GRCh38, 1-based): chr2:178,715,493, C>T on the plus strand (G>A on the coding strand, the complement: TTN is on the minus strand). VCF-style: chr2-178715493-C-T. GRCh37 (hg19) VCF-style: chr2-179580220-C-T.
Other names: c.24970G>A, p.Glu8324Lys (NM_001256850.1); c.22189G>A, p.Glu7397Lys (NM_133378.4); c.13282+22589G>A (NM_003319.4); c.13858+22589G>A (NM_133437.4); c.13657+22589G>A (NM_133432.3); short protein forms E8641K, E7397K, E8324K.
Identifiers: ClinVar variation 534984 (VCV000534984.7), dbSNP rs1553898323, ClinGen allele CA349477360.